The following is an entry in ClinVar:

NC_012920.1(MT-ATP6):m.8896G>A

Gene: MT-ATP6 (mitochondrially encoded ATP synthase 6; plus strand).
Variant type: single nucleotide variant.
Genome position: chrM-8896-G-A.
Identifiers: ClinVar variation 693017 (VCV000693017.2), dbSNP rs202120082, ClinGen allele CA337098105.
Genomic context (GRCh38, chrMT:8,896, plus strand): 5'-ATGGCCATCCCCTTATGAGCGGGCACAGTGATTATAGGCTTTCGCTCTAAGATTAAAAAT[G>A]CCCTAGCCCACTTCTTACCACAAGGCACACCTACACCCCTTATCCCCATACTAGTTATTA-3'

ClinVar aggregate classification (germline): Benign/Likely benign. Review status: criteria provided, multiple submitters, no conflicts (2 of 4 stars). 2 submissions from 2 submitters: Benign (1); Likely benign (1). Last evaluated 2025-02-16.

Conditions:
Leigh syndrome (NULS). Also called: Leigh's necrotizing encephalopathy; Leigh's disease; Leigh Syndrome (mtDNA deletion); Leigh Disease; Subacute necrotizing encephalopathy; Necrotizing encephalopathy infantile subacute of Leigh. Identifiers: Orphanet 506, MedGen C2931891, MONDO:0009723, OMIM 256000.

Submissions (2):

Laboratory of Genetics, Children's Clinical University Hospital Latvia
Classification: Likely benign. Last evaluated: 2025-02-16. Review status: criteria provided, single submitter. Criteria: ACMG Guidelines, 2015. Collection method: clinical testing. Allele origin: germline. Affected: yes.

Wong Mito Lab, Molecular and Human Genetics, Baylor College of Medicine
Classification: Benign for Leigh syndrome. Last evaluated: 2019-10-17. Review status: criteria provided, single submitter. Criteria: Modified ACMG Guidelines (Unpublished). Collection method: clinical testing. Allele origin: germline.
Comment: The NC_012920.1:m.8896G>A (YP_003024031.1:p.Ala124Thr) variant in MTATP6 gene is interpretated to be a Benign variant based on the modified ACMG guidelines (unpublished). This variant meets the following evidence codes: BS1, BS2, BP4